The following is an entry in ClinVar:

ClinVar aggregate classification (germline): Conflicting classifications of pathogenicity. Review status: criteria provided, conflicting classifications (1 of 4 stars). 2 submissions from 2 submitters: Uncertain significance (1); Likely benign (1). Last evaluated 2025-07-08.

Conditions:
Cardiovascular phenotype. Identifiers: MedGen CN230736.

Allele frequency attached by ClinVar (database versions not stated): ExAC 0.00001; gnomAD 0.00001; gnomAD exomes 0.00001.
gnomAD v4.1: 16 of 1,612,224 alleles (0.00099%); highest among the groups gnomAD compares: East Asian, 0.0022%; no homozygotes.

Submissions (2):

Mayo Clinic Laboratories, Mayo Clinic
Classification: Uncertain significance. Last evaluated: 2025-07-08. Review status: criteria provided, single submitter. Criteria: ACMG Guidelines, 2015. Collection method: clinical testing. Allele origin: germline. Observed: 1 variant allele.
Comment: BP4_moderate, PM2_supporting

Ambry Genetics
Classification: Likely benign for Cardiovascular phenotype. Last evaluated: 2023-08-03. Review status: criteria provided, single submitter. Criteria: Ambry Variant Classification Scheme 2023. Collection method: clinical testing. Allele origin: germline.

NM_001365276.2(TNXB):c.10184G>A (p.Arg3395Gln)

Gene: TNXB (tenascin XB; minus strand). Cytogenetic location: 6p21.33.
Variant type: single nucleotide variant.
Coding change: c.10184G>A on transcript NM_001365276.2 (MANE Select); coding-DNA position 10184, G replaced by A.
Protein change: p.Arg3395Gln; replaces arginine 3395 with glutamine.
Molecular consequence: missense variant.
Genome position (GRCh38, 1-based): chr6:32,047,874, C>T on the plus strand (G>A on the coding strand, the complement: TNXB is on the minus strand). VCF-style: chr6-32047874-C-T. GRCh37 (hg19) VCF-style: chr6-32015651-C-T.
Other names: p.Arg3393Gln; c.10178G>A, p.Arg3393Gln (NM_019105.8); short protein forms R3395Q, R3393Q.
Identifiers: ClinVar variation 2586122 (VCV002586122.3), dbSNP rs775334790, ClinGen allele CA3733284.